The following is an entry in ClinVar:

ClinVar aggregate classification (germline): Likely benign (1 of 4 stars; one submission).

gnomAD v4.1: 2,062 of 1,614,048 alleles (0.13%); highest among the groups gnomAD compares: Middle Eastern, 0.38%; 5 homozygotes.

Submission:

CeGaT Center for Human Genetics Tuebingen
Classification: Likely benign. Last evaluated: 2026-08-01. Review status: criteria provided, single submitter. Criteria: CeGaT Center For Human Genetics Tuebingen Variant Classification Criteria Version 2. Collection method: clinical testing. Allele origin: germline. Affected: yes. Observed: 4 variant alleles.
Comment: POLR1G: BP4, BP7

NM_012099.3(POLR1G):c.246C>G (p.Val82=)

Genes: POLR1G (RNA polymerase I subunit G; plus strand), ERCC1 (ERCC excision repair 1, endonuclease non-catalytic subunit; minus strand). Cytogenetic location: 19q13.32.
Variant type: single nucleotide variant.
Coding change: c.246C>G on transcript NM_012099.3 (MANE Select); coding-DNA position 246, C replaced by G.
Protein change: p.Val82=; no amino-acid change (valine 82 retained).
Molecular consequence: synonymous variant. On other transcripts: 3 prime UTR variant (10).
Genome position (GRCh38, 1-based): chr19:45,408,214, C>G. VCF-style: chr19-45408214-C-G. GRCh37 (hg19) VCF-style: chr19-45911472-C-G.
Other names: c.252C>G, p.Val84= (NM_001297590.3); c.*1461G>C (NM_001166049.2, NM_001369412.1, NM_001369413.1 and 7 more transcripts).
Identifiers: ClinVar variation 4083822 (VCV004083822.8).
Genomic context (GRCh38, chr19:45,408,214, plus strand): 5'-TCTCTCTGGCTCCCAGATCGTCAAGGGCAAATTGGCAGGCAAGCGGCACCGCTATCGAGT[C>G]CTCAGCAGCTGTCCCCAAGCTGGAGAAGCGACCCTGCTGGCCCCCTCAACGGAGGCAGGA-3'
Protein context (NP_036231.1, residues 72-92): KLAGKRHRYR[Val82=]LSSCPQAGEA